The following is an entry in ClinVar:

ClinVar aggregate classification (germline): Likely pathogenic. Review status: criteria provided, multiple submitters, no conflicts (2 of 4 stars). 4 submissions from 4 submitters: Likely pathogenic (3). 1 of the submissions does not count toward it. Last evaluated 2026-07-20.

Conditions:
Peroxisome biogenesis disorder, complementation group 7 (CG7). Also called: Peroxisome biogenesis disorder, complementation group B. Identifiers: MedGen C1864399.
Peroxisome biogenesis disorder 6A (Zellweger). Also called: Peroxisome biogenesis disorder 6A. Identifiers: Orphanet 912, MedGen C3553947, MONDO:0013936, OMIM 614870.
Peroxisome biogenesis disorder 6B (PBD6B). Identifiers: Orphanet 44, MedGen C3553948, MONDO:0013937, OMIM 614871.
PEX10-related disorder. Also called: PEX10-related condition.

Allele frequency attached by ClinVar (database versions not stated): TOPMed 0.00001; gnomAD 0.00002; gnomAD exomes 0.00001.
gnomAD v4.1: 13 of 1,613,474 alleles (0.00081%); highest among the groups gnomAD compares: Non-Finnish European, 0.001%; no homozygotes.

Submissions (4):

PreventionGenetics, part of Exact Sciences
Classification: Likely pathogenic for PEX10-related condition. Last evaluated: 2026-07-20. Review status: criteria provided, single submitter. Criteria: ACMG Guidelines, 2015. Collection method: clinical testing. Allele origin: germline.
Comment: The PEX10 c.113-1G>A variant is predicted to disrupt the AG splice acceptor site and interfere with normal splicing. To our knowledge, this variant has not been reported in the literature or in a large population database (gnomAD), indicating this variant is rare. Variants that disrupt the consensus splice acceptor site in PEX10 are expected to be pathogenic. This variant is interpreted as likely pathogenic.

Labcorp Genetics (formerly Invitae), Labcorp
Classification: Likely pathogenic for Peroxisome biogenesis disorder, complementation group 7. Last evaluated: 2024-04-15. Review status: criteria provided, single submitter. Criteria: Invitae Variant Classification Sherloc (09022015). Collection method: clinical testing. Allele origin: germline.
Comment: This sequence change affects an acceptor splice site in intron 1 of the PEX10 gene. It is expected to disrupt RNA splicing. Variants that disrupt the donor or acceptor splice site typically lead to a loss of protein function (PMID: 16199547), and loss-of-function variants in PEX10 are known to be pathogenic (PMID: 9683594, 10862081, 21031596). This variant is not present in population databases (gnomAD no frequency). This variant has not been reported in the literature in individuals affected with PEX10-related conditions. ClinVar contains an entry for this variant (Variation ID: 553007). Algorithms developed to predict the effect of sequence changes on RNA splicing suggest that this variant may disrupt the consensus splice site. In summary, the currently available evidence indicates that the variant is pathogenic, but additional data are needed to prove that conclusively. Therefore, this variant has been classified as Likely Pathogenic.

Baylor Genetics
Classification: Likely pathogenic for Peroxisome biogenesis disorder 6A (Zellweger). Last evaluated: 2023-12-15. Review status: criteria provided, single submitter. Criteria: ACMG Guidelines, 2015. Collection method: clinical testing. Allele origin: unknown.

Counsyl
Classification: Likely pathogenic for Peroxisome biogenesis disorder 6A (Zellweger); Peroxisome biogenesis disorder 6B. Last evaluated: 2017-07-25. Review status: no assertion criteria provided. Collection method: clinical testing. Allele origin: unknown. Not counted in ClinVar's aggregate classification.

Literature cited by the submitters: PubMed 16199547 (cited by Labcorp Genetics (formerly Invitae), Labcorp); PubMed 9683594 (cited by Labcorp Genetics (formerly Invitae), Labcorp); PubMed 10862081 (cited by Labcorp Genetics (formerly Invitae), Labcorp); PubMed 21031596 (cited by Labcorp Genetics (formerly Invitae), Labcorp).

NM_002617.4(PEX10):c.113-1G>A

Gene: PEX10 (peroxisomal biogenesis factor 10; minus strand). Cytogenetic location: 1p36.32.
Variant type: single nucleotide variant.
Coding change: c.113-1G>A on transcript NM_002617.4 (MANE Select); the canonical splice acceptor site of the intron before coding-DNA position 113, G replaced by A.
Molecular consequence: splice acceptor variant.
Genome position (GRCh38, 1-based): chr1:2,410,452, C>T on the plus strand (G>A on the coding strand, the complement: PEX10 is on the minus strand). VCF-style: chr1-2410452-C-T. GRCh37 (hg19) VCF-style: chr1-2341891-C-T.
Other names: c.-320-1G>A (NM_001374427.1, NM_001374426.1); c.113-1G>A (NM_001374425.1, NM_153818.2).
Identifiers: ClinVar variation 553007 (VCV000553007.9), dbSNP rs867305222, ClinGen allele CA16946818.